The following is an entry in ClinVar:

NM_012086.5(GTF3C3):c.538C>T (p.Pro180Ser)

Gene: GTF3C3 (general transcription factor IIIC subunit 3; minus strand). Cytogenetic location: 2q33.1.
Variant type: single nucleotide variant.
Coding change: c.538C>T on transcript NM_012086.5 (MANE Select); coding-DNA position 538, C replaced by T.
Protein change: p.Pro180Ser; replaces proline 180 with serine.
Molecular consequence: missense variant.
Genome position (GRCh38, 1-based): chr2:196,790,068, G>A on the plus strand (C>T on the coding strand, the complement: GTF3C3 is on the minus strand). VCF-style: chr2-196790068-G-A. GRCh37 (hg19) VCF-style: chr2-197654792-G-A.
Other names: c.538C>T, p.Pro180Ser (NM_001206774.2); short protein forms P180S.
Identifiers: ClinVar variation 4685097 (VCV004685097.1).
Genomic context (GRCh38, chr2:196,790,068, plus strand): 5'-CCATGTCACCTTGGTCCTCATATATCATGGCTAGAGTAGAGAATGGCTCATAAGCCAGAG[G>A]AGCTATAACAAATTAAAAAAATAAATTCCATTGGCTGAGAGAAGAGGCTTGAGTTGATGT-3'
Protein context (NP_036218.1, residues 170-190): LMCMEIIRQA[Pro180Ser]LAYEPFSTLA

ClinVar aggregate classification (germline): Likely pathogenic (1 of 4 stars; one submission).

gnomAD v4.1: 5 of 1,582,358 alleles (0.00032%); highest among the groups gnomAD compares: Non-Finnish European, 0.00034%; no homozygotes.

Submission:

GeneDx
Classification: Likely pathogenic. Last evaluated: 2025-07-07. Review status: criteria provided, single submitter. Criteria: GeneDx Variant Classification Process June 2021. Collection method: clinical testing. Allele origin: germline. Affected: yes.
Comment: Not observed at significant frequency in large population cohorts (gnomAD); In silico analysis supports that this missense variant has a deleterious effect on protein structure/function; Has not been previously published as pathogenic or benign to our knowledge